The following is an entry in ClinVar:

NM_001130009.3(GEN1):c.128A>G (p.Lys43Arg)

Gene: GEN1 (GEN1 structure-specific endonuclease; plus strand). Cytogenetic location: 2p24.2.
Variant type: single nucleotide variant.
Coding change: c.128A>G on transcript NM_001130009.3 (MANE Select); coding-DNA position 128, A replaced by G.
Protein change: p.Lys43Arg; replaces lysine 43 with arginine.
Molecular consequence: missense variant.
Genome position (GRCh38, 1-based): chr2:17,760,071, A>G. VCF-style: chr2-17760071-A-G. GRCh37 (hg19) VCF-style: chr2-17941338-A-G.
Other names: c.128A>G, p.Lys43Arg (NM_182625.5); short protein forms K43R.
Identifiers: ClinVar variation 4671489 (VCV004671489.1).

ClinVar aggregate classification (germline): Uncertain significance (1 of 4 stars; one submission).

Submission:

Ambry Genetics
Classification: Uncertain significance. Last evaluated: 2025-10-29. Review status: criteria provided, single submitter. Criteria: Ambry Variant Classification Scheme 2023. Collection method: clinical testing. Allele origin: germline.
Comment: The p.K43R variant (also known as c.128A>G), located in coding exon 1 of the GEN1 gene, results from an A to G substitution at nucleotide position 128. The lysine at codon 43 is replaced by arginine, an amino acid with highly similar properties. This amino acid position is conserved. In addition, this alteration is predicted to be tolerated by in silico analysis. Based on the available evidence, the clinical significance of this variant remains unclear.